The following is an entry in ClinVar:

NM_015046.7(SETX):c.6181T>A (p.Leu2061Met)

Gene: SETX (senataxin; minus strand). Cytogenetic location: 9q34.13.
Variant type: single nucleotide variant.
Coding change: c.6181T>A on transcript NM_015046.7 (MANE Select); coding-DNA position 6181, T replaced by A.
Protein change: p.Leu2061Met; replaces leucine 2061 with methionine.
Molecular consequence: missense variant.
Genome position (GRCh38, 1-based): chr9:132,288,577, A>T on the plus strand (T>A on the coding strand, the complement: SETX is on the minus strand). VCF-style: chr9-132288577-A-T. GRCh37 (hg19) VCF-style: chr9-135163964-A-T.
Other names: c.6181T>A, p.Leu2061Met (NM_001351527.2, NM_001351528.2); short protein forms L2061M.
Identifiers: ClinVar variation 1491179 (VCV001491179.6), dbSNP rs2131247894, ClinGen allele CA375338831.

ClinVar aggregate classification (germline): Uncertain significance (1 of 4 stars; one submission).

Conditions:
Spinocerebellar ataxia, autosomal recessive, with axonal neuropathy 2 (SCAN2). Also called: ATAXIA-OCULOMOTOR APRAXIA 2; Ataxia-ocular apraxia-2; Ataxia with Oculomotor Apraxia Type 2; Ataxia with Oculomotor Apraxia. Identifiers: Orphanet 64753, MedGen C1853761, MONDO:0018996, OMIM 606002.
Amyotrophic lateral sclerosis type 4 (ALS4). Also called: AMYOTROPHIC LATERAL SCLEROSIS 4, JUVENILE; NEURONOPATHY, DISTAL HEREDITARY MOTOR, WITH PYRAMIDAL FEATURES. Identifiers: Orphanet 357043, MedGen C1865409, MONDO:0011223, OMIM 602433.

Submission:

Labcorp Genetics (formerly Invitae), Labcorp
Classification: Uncertain significance for Amyotrophic lateral sclerosis type 4; Spinocerebellar ataxia, autosomal recessive, with axonal neuropathy 2. Last evaluated: 2021-09-17. Review status: criteria provided, single submitter. Criteria: Invitae Variant Classification Sherloc (09022015). Collection method: clinical testing. Allele origin: germline.
Comment: This variant has not been reported in the literature in individuals affected with SETX-related conditions. This sequence change replaces leucine with methionine at codon 2061 of the SETX protein (p.Leu2061Met). The leucine residue is highly conserved and there is a small physicochemical difference between leucine and methionine. This variant is not present in population databases (ExAC no frequency). Advanced modeling of protein sequence and biophysical properties (such as structural, functional, and spatial information, amino acid conservation, physicochemical variation, residue mobility, and thermodynamic stability) performed at Invitae indicates that this missense variant is expected to disrupt SETX protein function. In summary, the available evidence is currently insufficient to determine the role of this variant in disease. Therefore, it has been classified as a Variant of Uncertain Significance.